The following is an entry in ClinVar:

NM_032578.4(MYPN):c.1196C>T (p.Pro399Leu)

Gene: MYPN (myopalladin; plus strand). Cytogenetic location: 10q21.3.
Variant type: single nucleotide variant.
Coding change: c.1196C>T on transcript NM_032578.4 (MANE Select); coding-DNA position 1196, C replaced by T.
Protein change: p.Pro399Leu; replaces proline 399 with leucine.
Molecular consequence: missense variant. On other transcripts: non-coding transcript variant (2).
Genome position (GRCh38, 1-based): chr10:68,148,418, C>T. VCF-style: chr10-68148418-C-T. GRCh37 (hg19) VCF-style: chr10-69908175-C-T.
Other names: c.1196C>T (NM_032578.3, NM_032578.2); c.1196C>T, p.Pro399Leu (NM_001256267.2); c.314C>T, p.Pro105Leu (NM_001256268.2); short protein forms P105L, P399L.
Identifiers: ClinVar variation 1370605 (VCV001370605.8), dbSNP rs142973768, ClinGen allele CA5522470.

ClinVar aggregate classification (germline): Uncertain significance. Review status: criteria provided, multiple submitters, no conflicts (2 of 4 stars). 5 submissions from 5 submitters: Uncertain significance (5). Last evaluated 2026-06-22.

Conditions:
MYPN-related disorder. Also called: MYPN-related condition.
Cardiovascular phenotype. Identifiers: MedGen CN230736.
Dilated cardiomyopathy 1KK (CMD1KK). Identifiers: Orphanet 154, Orphanet 75249, MedGen C3714995, MONDO:0014100, OMIM 615248.

Allele frequency attached by ClinVar (database versions not stated): gnomAD exomes below 0.00001 and 0.00001; ExAC 0.00002; gnomAD 0.00002 and 0.00003; 1000 Genomes Project 30x 0.00047; 1000 Genomes Project 0.00060.
gnomAD v4.1: 12 of 1,614,152 alleles (0.00074%); highest among the groups gnomAD compares: Middle Eastern, 0.033%; no homozygotes.

Submissions (5):

PreventionGenetics, part of Exact Sciences
Classification: Uncertain significance for MYPN-related condition. Last evaluated: 2026-06-22. Review status: criteria provided, single submitter. Criteria: ACMG Guidelines, 2015. Collection method: clinical testing. Allele origin: germline.
Comment: The MYPN c.1196C>T variant is predicted to result in the amino acid substitution p.Pro399Leu. To our knowledge, this variant has not been reported in the literature. This variant is reported in 0.012% of alleles in individuals of African descent in gnomAD. At this time, the clinical significance of this variant is uncertain due to the absence of conclusive functional and genetic evidence.

Ambry Genetics
Classification: Uncertain significance for Cardiovascular phenotype. Last evaluated: 2025-08-08. Review status: criteria provided, single submitter. Criteria: Ambry Variant Classification Scheme 2023. Collection method: clinical testing. Allele origin: germline.

GeneDx
Classification: Uncertain significance. Last evaluated: 2024-09-05. Review status: criteria provided, single submitter. Criteria: GeneDx Variant Classification Process June 2021. Collection method: clinical testing. Allele origin: germline. Affected: yes.
Comment: Has not been previously published as pathogenic or benign to our knowledge; Not observed at significant frequency in large population cohorts (gnomAD); In silico analysis supports that this missense variant has a deleterious effect on protein structure/function

Labcorp Genetics (formerly Invitae), Labcorp
Classification: Uncertain significance for Dilated cardiomyopathy 1KK. Last evaluated: 2022-02-19. Review status: criteria provided, single submitter. Criteria: Invitae Variant Classification Sherloc (09022015). Collection method: clinical testing. Allele origin: germline.
Comment: This sequence change replaces proline, which is neutral and non-polar, with leucine, which is neutral and non-polar, at codon 399 of the MYPN protein (p.Pro399Leu). This variant is present in population databases (rs142973768, gnomAD 0.01%). This variant has not been reported in the literature in individuals affected with MYPN-related conditions. Algorithms developed to predict the effect of missense changes on protein structure and function (SIFT, PolyPhen-2, Align-GVGD) all suggest that this variant is likely to be tolerated. In summary, the available evidence is currently insufficient to determine the role of this variant in disease. Therefore, it has been classified as a Variant of Uncertain Significance.

Revvity Omics, Revvity
Classification: Uncertain significance. Last evaluated: 2019-04-08. Review status: criteria provided, single submitter. Criteria: ACMG Guidelines, 2015. Collection method: clinical testing. Allele origin: germline.